The following is an entry in ClinVar:

ClinVar aggregate classification (germline): Pathogenic. Review status: reviewed by expert panel (3 of 4 stars). 6 submissions from 6 submitters: Pathogenic (1). 5 of the submissions do not count toward it. Last evaluated 2016-10-18.

Conditions:
Hereditary cancer-predisposing syndrome. Also called: Tumor predisposition; Neoplastic Syndromes, Hereditary; Hereditary Cancer Syndrome; Hereditary neoplastic syndrome. Identifiers: Orphanet 140162, MedGen C0027672, MeSH D009386, MONDO:0015356.
Hereditary breast ovarian cancer syndrome. Also called: Hereditary breast and ovarian cancer syndrome (HBOC); Hereditary breast and ovarian cancer syndrome; Hereditary breast and ovarian cancer; Hereditary breast and/or ovarian cancer syndrome; Breast and ovarian cancer; BRCA1- and BRCA2-Associated Hereditary Breast and Ovarian Cancer. Identifiers: Orphanet 145, MedGen C0677776, MeSH D061325, MONDO:0003582. Disease mechanism: loss of function.
Breast-ovarian cancer, familial, susceptibility to, 1 (BROVCA1). Also called: OVARIAN CANCER, SUSCEPTIBILITY TO; BRCA1 Hereditary Breast and Ovarian Cancer. Identifiers: Orphanet 145, MedGen C2676676, MONDO:0011450, OMIM 604370. Disease mechanism: loss of function.

Submissions (6):

Evidence-based Network for the Interpretation of Germline Mutant Alleles (ENIGMA)
Classification: Pathogenic for Breast-ovarian cancer, familial, susceptibility to, 1. Last evaluated: 2016-10-18. Review status: reviewed by expert panel. Criteria: ENIGMA BRCA1/2 Classification Criteria (2015). Collection method: curation. Allele origin: germline.
Comment: Variant allele predicted to encode a truncated non-functional protein.

Ambry Genetics
Classification: Pathogenic for Hereditary cancer-predisposing syndrome. Last evaluated: 2025-08-05. Review status: criteria provided, single submitter. Criteria: Ambry Variant Classification Scheme 2023. Collection method: clinical testing. Allele origin: germline. Not counted in ClinVar's aggregate classification.
Comment: The p.K505* pathogenic mutation (also known as c.1513A>T), located in coding exon 9 of the BRCA1 gene, results from an A to T substitution at nucleotide position 1513. This changes the amino acid from a lysine to a stop codon within coding exon 9. This alteration has been reported in multiple patients and/or families with breast and/or ovarian cancer (Palmieri G et al. Ann. Oncol., 2002 Dec;13:1899-907; Meisel C et al. Arch Gynecol Obstet, 2017 May;295:1227-1238; Singh J et al. Breast Cancer Res Treat, 2018 Jul;170:189-196; Concolino P et al. Int J Mol Sci, 2019 Jul;20). This variant is considered to be rare based on population cohorts in the Genome Aggregation Database (gnomAD). This alteration is expected to result in loss of function by premature protein truncation or nonsense-mediated mRNA decay. As such, this alteration is interpreted as a disease-causing mutation.

Labcorp Genetics (formerly Invitae), Labcorp
Classification: Pathogenic for Hereditary breast ovarian cancer syndrome. Last evaluated: 2022-01-14. Review status: criteria provided, single submitter. Criteria: Invitae Variant Classification Sherloc (09022015). Collection method: clinical testing. Allele origin: germline. Not counted in ClinVar's aggregate classification.
Comment: This sequence change creates a premature translational stop signal (p.Lys505*) in the BRCA1 gene. It is expected to result in an absent or disrupted protein product. Loss-of-function variants in BRCA1 are known to be pathogenic (PMID: 20104584). This variant is not present in population databases (gnomAD no frequency). This premature translational stop signal has been observed in individual(s) with breast cancer, ovarian cancer, and other cancers (PMID: 12453858, 29470806). ClinVar contains an entry for this variant (Variation ID: 54280). For these reasons, this variant has been classified as Pathogenic.

Baylor Genetics
Classification: Pathogenic for Breast-ovarian cancer, familial, susceptibility to, 1. Last evaluated: 2021-10-13. Review status: criteria provided, single submitter. Criteria: ACMG Guidelines, 2015. Collection method: clinical testing. Allele origin: unknown. Not counted in ClinVar's aggregate classification.

Color Diagnostics, LLC DBA Color Health
Classification: Pathogenic for Hereditary cancer-predisposing syndrome. Last evaluated: 2020-01-15. Review status: criteria provided, single submitter. Criteria: ACMG Guidelines, 2015. Collection method: clinical testing. Allele origin: germline. Not counted in ClinVar's aggregate classification.
Comment: This variant changes 1 nucleotide in exon 10 of the BRCA1 gene, creating a premature translation stop signal. This variant is expected to result in an absent or non-functional protein product. This variant has not been identified in the general population by the Genome Aggregation Database (gnomAD). Loss of BRCA1 function is a known mechanism of disease. Based on the available evidence, this variant is classified as Pathogenic.

Consortium of Investigators of Modifiers of BRCA1/2 (CIMBA), c/o University of Cambridge
Classification: Pathogenic for Breast-ovarian cancer, familial, susceptibility to, 1. Last evaluated: 2015-10-02. Review status: criteria provided, single submitter. Criteria: CIMBA Mutation Classification guidelines May 2016. Collection method: clinical testing. Allele origin: germline. Not counted in ClinVar's aggregate classification.

Literature cited by the submitters: PubMed 12453858 (cited by Ambry Genetics and Labcorp Genetics (formerly Invitae), Labcorp); PubMed 28324225 (cited by Ambry Genetics); PubMed 29470806 (cited by Ambry Genetics and Labcorp Genetics (formerly Invitae), Labcorp); PubMed 31336956 (cited by Ambry Genetics); PubMed 20104584 (cited by Labcorp Genetics (formerly Invitae), Labcorp).

NM_007294.4(BRCA1):c.1513A>T (p.Lys505Ter)

Gene: BRCA1 (BRCA1 DNA repair associated; minus strand). Cytogenetic location: 17q21.31.
Variant type: single nucleotide variant.
Coding change: c.1513A>T on transcript NM_007294.4 (MANE Select); coding-DNA position 1513, A replaced by T.
Protein change: p.Lys505Ter; replaces lysine 505 with a stop codon.
Molecular consequence: nonsense. On other transcripts: intron variant (137).
Genome position (GRCh38, 1-based): chr17:43,094,018, T>A on the plus strand (A>T on the coding strand, the complement: BRCA1 is on the minus strand). VCF-style: chr17-43094018-T-A. GRCh37 (hg19) VCF-style: chr17-41246035-T-A.
Other names: 1632 A>T; c.1300A>T, p.Lys434Ter (NM_001407571.1, NM_001407853.1, NM_001407894.1 and 9 more transcripts); c.1513A>T, p.Lys505Ter (NM_001407581.1, NM_001407582.1, NM_001407583.1 and 30 more transcripts); c.1510A>T, p.Lys504Ter (NM_001407587.1, NM_001407590.1, NM_001407591.1 and 22 more transcripts); c.1504A>T, p.Lys502Ter (NM_001407646.1, NM_001407647.1); c.1390A>T, p.Lys464Ter (NM_001407648.1, NM_001407664.1, NM_001407665.1 and 19 more transcripts); c.1387A>T, p.Lys463Ter (NM_001407649.1, NM_001407670.1, NM_001407671.1 and 11 more transcripts); c.1435A>T, p.Lys479Ter (NM_001407653.1, NM_001407654.1, NM_001407655.1 and 4 more transcripts); and 41 more; short protein forms K505*, K458*, K377*, K434*, K435*, K437*, K463*, K502*.
Identifiers: ClinVar variation 54280 (VCV000054280.24), dbSNP rs397508877, ClinGen allele CA001022.